The following is an entry in ClinVar:

NM_014244.5(ADAMTS2):c.1684G>A (p.Gly562Ser)

Gene: ADAMTS2 (ADAM metallopeptidase with thrombospondin type 1 motif 2; minus strand). Cytogenetic location: 5q35.3.
Variant type: single nucleotide variant.
Coding change: c.1684G>A on transcript NM_014244.5 (MANE Select); coding-DNA position 1684, G replaced by A.
Protein change: p.Gly562Ser; replaces glycine 562 with serine.
Molecular consequence: missense variant.
Genome position (GRCh38, 1-based): chr5:179,139,981, C>T on the plus strand (G>A on the coding strand, the complement: ADAMTS2 is on the minus strand). VCF-style: chr5-179139981-C-T. GRCh37 (hg19) VCF-style: chr5-178566982-C-T.
Other names: p.Gly562Ser; short protein forms G562S.
Identifiers: ClinVar variation 1223666 (VCV001223666.9), dbSNP rs757782312, ClinGen allele CA3595809.
Genomic context (GRCh38, chr5:179,139,981, plus strand): 5'-TCACGCCCGTGCCACAGGTACGTGAGCAGGAGCCAAACGGACTCCAAGCGCCCCAGCTGC[C>T]GTCCCGTTTGAGGATGTCAGGTGTCAGCCAGATGCAGTGTCCTTTAAAACAATGCTGAAA-3'
Protein context (NP_055059.2, residues 552-572): WLTPDILKRD[Gly562Ser]SWGAWSPFGS

ClinVar aggregate classification (germline): Uncertain significance. Review status: criteria provided, multiple submitters, no conflicts (2 of 4 stars). 6 submissions from 6 submitters: Uncertain significance (5). 1 of the submissions does not count toward it. Last evaluated 2026-02-06.

Conditions:
Inborn genetic diseases. Identifiers: MedGen C0950123, MeSH D030342.
Ehlers-Danlos syndrome, dermatosparaxis type. Also called: EDS VIIC; Ehlers-Danlos syndrome, type VII, autosomal recessive; Dermatosparaxis. Identifiers: Orphanet 1901, MedGen C2700425, MONDO:0009161, OMIM 225410.

Allele frequency attached by ClinVar (database versions not stated): gnomAD 0.00001 and 0.00002; gnomAD exomes 0.00003 and 0.00004; TOPMed 0.00003; ExAC 0.00005.
gnomAD v4.1: 45 of 1,613,980 alleles (0.0028%); highest among the groups gnomAD compares: Non-Finnish European, 0.0034%; no homozygotes.

Submissions (6):

Women's Health and Genetics/Laboratory Corporation of America, LabCorp
Classification: Uncertain significance. Last evaluated: 2026-02-06. Review status: criteria provided, single submitter. Criteria: LabCorp Variant Classification Summary - May 2015. Collection method: clinical testing. Allele origin: germline.
Comment: Variant summary: ADAMTS2 c.1684G>A (p.Gly562Ser) results in a non-conservative amino acid change in the encoded protein sequence. Algorithms developed to predict the effect of missense changes on protein structure and function all suggest that this variant is likely to be disruptive. The variant allele was found at a frequency of 3.6e-05 in 251446 control chromosomes. The available data on variant occurrences in the general population are insufficient to allow any conclusion about variant significance. To our knowledge, no occurrence of c.1684G>A in individuals affected with ADAMTS2-related conditions and no experimental evidence demonstrating its impact on protein function have been reported. ClinVar contains an entry for this variant (Variation ID: 1223666). Based on the evidence outlined above, the variant was classified as uncertain significance.

Ambry Genetics
Classification: Uncertain significance for Inborn genetic diseases. Last evaluated: 2024-08-26. Review status: criteria provided, single submitter. Criteria: Ambry Variant Classification Scheme 2023. Collection method: clinical testing. Allele origin: germline.

Mayo Clinic Laboratories, Mayo Clinic
Classification: Uncertain significance. Last evaluated: 2023-08-01. Review status: criteria provided, single submitter. Criteria: ACMG Guidelines, 2015. Collection method: clinical testing. Allele origin: germline. Observed: 1 variant allele.

Labcorp Genetics (formerly Invitae), Labcorp
Classification: Uncertain significance for Ehlers-Danlos syndrome, dermatosparaxis type. Last evaluated: 2022-05-01. Review status: criteria provided, single submitter. Criteria: Invitae Variant Classification Sherloc (09022015). Collection method: clinical testing. Allele origin: germline.
Comment: This sequence change replaces glycine, which is neutral and non-polar, with serine, which is neutral and polar, at codon 562 of the ADAMTS2 protein (p.Gly562Ser). This variant is present in population databases (rs757782312, gnomAD 0.007%). This variant has not been reported in the literature in individuals affected with ADAMTS2-related conditions. ClinVar contains an entry for this variant (Variation ID: 1223666). Algorithms developed to predict the effect of missense changes on protein structure and function (SIFT, PolyPhen-2, Align-GVGD) all suggest that this variant is likely to be disruptive. In summary, the available evidence is currently insufficient to determine the role of this variant in disease. Therefore, it has been classified as a Variant of Uncertain Significance.

GeneDx
Classification: Uncertain significance. Last evaluated: 2021-03-01. Review status: criteria provided, single submitter. Criteria: GeneDx Variant Classification Process June 2021. Collection method: clinical testing. Allele origin: germline. Affected: yes.
Comment: Not observed at a significant frequency in large population cohorts (Lek et al., 2016); In silico analysis, which includes protein predictors and evolutionary conservation, supports a deleterious effect; Has not been previously published as pathogenic or benign to our knowledge

Natera, Inc.
Classification: Uncertain significance for Ehlers-Danlos syndrome type VIIC. Last evaluated: 2020-11-03. Review status: no assertion criteria provided. Collection method: clinical testing. Allele origin: germline. Not counted in ClinVar's aggregate classification.